The following is an entry in ClinVar:

NM_016239.4(MYO15A):c.3926A>T (p.Gln1309Leu)

Gene: MYO15A (myosin XVA; plus strand). Cytogenetic location: 17p11.2.
Variant type: single nucleotide variant.
Coding change: c.3926A>T on transcript NM_016239.4 (MANE Select); coding-DNA position 3926, A replaced by T.
Protein change: p.Gln1309Leu; replaces glutamine 1309 with leucine.
Molecular consequence: missense variant.
Genome position (GRCh38, 1-based): chr17:18,126,850, A>T. VCF-style: chr17-18126850-A-T. GRCh37 (hg19) VCF-style: chr17-18030164-A-T.
Other names: short protein forms Q1309L.
Identifiers: ClinVar variation 1301922 (VCV001301922.2), dbSNP rs777366131, ClinGen allele CA8423645.
Genomic context (GRCh38, chr17:18,126,850, plus strand): 5'-GGCACCTCTTTGCTGTTGCAAATCTCGCCTTCGCCAAAATGCTCGATGCCAAACAGAACC[A>T]GTGCATAATCATTAGGTGAGTGGGCTGCCTTTATGTGGGGGATAAATGGGGGACCTTAGG-3'
Protein context (NP_057323.3, residues 1299-1319): FAKMLDAKQN[Gln1309Leu]CIIISGESGS

ClinVar aggregate classification (germline): Conflicting classifications of pathogenicity. Review status: criteria provided, conflicting classifications (1 of 4 stars). 2 submissions from 2 submitters: Likely pathogenic (1); Uncertain significance (1). Last evaluated 2025-01-09.

Conditions:
Autosomal recessive nonsyndromic hearing loss 3. Also called: NEUROSENSORY NONSYNDROMIC RECESSIVE DEAFNESS 3. Identifiers: Orphanet 90636, MedGen C1838263, MONDO:0010860, OMIM 600316.

Allele frequency attached by ClinVar (database versions not stated): gnomAD exomes below 0.00001; ExAC 0.00001.
gnomAD v4.1: 1 of 1,613,926 alleles (0.000062%); highest among the groups gnomAD compares: East Asian, 0.0022%; no homozygotes.

Submissions (2):

Institute of Rare Diseases, West China Hospital, Sichuan University
Classification: Likely pathogenic for Autosomal recessive nonsyndromic hearing loss 3. Last evaluated: 2025-01-09. Review status: criteria provided, single submitter. Criteria: ClinGen HL ACMG Specifications v1. Collection method: research. Allele origin: germline. Affected: yes.
Comment: PM3_Strong;PM2_Supporting;PP3

Molecular Diagnosis Center for Deafness
Classification: Uncertain significance for Autosomal recessive nonsyndromic hearing loss 3. Review status: criteria provided, single submitter. Criteria: ClinGen HL ACMG Specifications v1. Collection method: clinical testing. Allele origin: maternal. Observed: 1 variant allele.